The following is an entry in ClinVar:

ClinVar aggregate classification (germline): Uncertain significance (1 of 4 stars; one submission).

Allele frequency attached by ClinVar (database versions not stated): gnomAD exomes below 0.00001; gnomAD 0.00001; TOPMed 0.00001.
gnomAD v4.1: 4 of 1,609,368 alleles (0.00025%); highest among the groups gnomAD compares: Admixed American, 0.0017%; no homozygotes.

Submission:

GeneDx
Classification: Uncertain significance. Last evaluated: 2021-08-19. Review status: criteria provided, single submitter. Criteria: GeneDx Variant Classification Process June 2021. Collection method: clinical testing. Allele origin: germline. Affected: yes.
Comment: Not observed at significant frequency in large population cohorts (Lek et al., 2016); In silico analysis, which includes protein predictors and evolutionary conservation, supports that this variant does not alter protein structure/function; Has not been previously published as pathogenic or benign to our knowledge

NM_130837.3(OPA1):c.902T>C (p.Leu301Ser)

Gene: OPA1 (OPA1 mitochondrial dynamin like GTPase; plus strand). Cytogenetic location: 3q29.
Variant type: single nucleotide variant.
Coding change: c.902T>C on transcript NM_130837.3 (MANE Select); coding-DNA position 902, T replaced by C.
Protein change: p.Leu301Ser; replaces leucine 301 with serine.
Molecular consequence: missense variant.
Genome position (GRCh38, 1-based): chr3:193,635,476, T>C. VCF-style: chr3-193635476-T-C. GRCh37 (hg19) VCF-style: chr3-193353265-T-C.
Other names: c.368T>C, p.Leu123Ser (NM_001354663.2); c.365T>C, p.Leu122Ser (NM_001354664.2); c.737T>C, p.Leu246Ser (NM_015560.3); c.629T>C, p.Leu210Ser (NM_130831.3); c.683T>C, p.Leu228Ser (NM_130832.3); c.740T>C, p.Leu247Ser (NM_130833.3); c.791T>C, p.Leu264Ser (NM_130834.3); c.794T>C, p.Leu265Ser (NM_130835.3); and 1 more; short protein forms L122S, L123S, L210S, L228S, L246S, L247S, L264S, L265S.
Identifiers: ClinVar variation 1318600 (VCV001318600.2), dbSNP rs1488795500, ClinGen allele CA355787413.